The following is an entry in ClinVar:

ClinVar aggregate classification (germline): Uncertain significance (1 of 4 stars; one submission).

Conditions:
Baller-Gerold syndrome (BGS). Also called: CRANIOSYNOSTOSIS WITH RADIAL DEFECTS. Identifiers: Orphanet 1225, MedGen C0265308, MONDO:0009039, OMIM 218600.

Submission:

Labcorp Genetics (formerly Invitae), Labcorp
Classification: Uncertain significance for Baller-Gerold syndrome. Last evaluated: 2019-01-21. Review status: criteria provided, single submitter. Criteria: Invitae Variant Classification Sherloc (09022015). Collection method: clinical testing. Allele origin: germline.
Comment: Algorithms developed to predict the effect of missense changes on protein structure and function (SIFT, PolyPhen-2, Align-GVGD) all suggest that this variant is likely to be disruptive, but these predictions have not been confirmed by published functional studies and their clinical significance is uncertain. This variant has not been reported in the literature in individuals with RECQL4-related conditions. This variant is not present in population databases (ExAC no frequency). This sequence change replaces tyrosine with cysteine at codon 1107 of the RECQL4 protein (p.Tyr1107Cys). The tyrosine residue is highly conserved and there is a large physicochemical difference between tyrosine and cysteine. In summary, the available evidence is currently insufficient to determine the role of this variant in disease. Therefore, it has been classified as a Variant of Uncertain Significance.

NM_004260.4(RECQL4):c.3320A>G (p.Tyr1107Cys)

Gene: RECQL4 (RecQ like helicase 4; minus strand). Cytogenetic location: 8q24.3.
Variant type: single nucleotide variant.
Coding change: c.3320A>G on transcript NM_004260.4 (MANE Select); coding-DNA position 3320, A replaced by G.
Protein change: p.Tyr1107Cys; replaces tyrosine 1107 with cysteine.
Molecular consequence: missense variant.
Genome position (GRCh38, 1-based): chr8:144,511,984, T>C on the plus strand (A>G on the coding strand, the complement: RECQL4 is on the minus strand). VCF-style: chr8-144511984-T-C. GRCh37 (hg19) VCF-style: chr8-145737367-T-C.
Other names: short protein forms Y1107C.
Identifiers: ClinVar variation 852787 (VCV000852787.5), dbSNP rs1827305384, ClinGen allele CA372668705.